The following is an entry in ClinVar:

ClinVar aggregate classification (germline): Uncertain significance (1 of 4 stars; one submission).

Conditions:
Bloom syndrome (BLM). Also called: Bloom-Torre-Machacek syndrome. Identifiers: Orphanet 125, MedGen C0005859, MONDO:0008876, OMIM 210900.

Submission:

Labcorp Genetics (formerly Invitae), Labcorp
Classification: Uncertain significance for Bloom syndrome. Last evaluated: 2024-05-26. Review status: criteria provided, single submitter. Criteria: Invitae Variant Classification Sherloc (09022015). Collection method: clinical testing. Allele origin: germline.
Comment: This sequence change falls in intron 19 of the BLM gene. It does not directly change the encoded amino acid sequence of the BLM protein. It affects a nucleotide within the consensus splice site. This variant is not present in population databases (gnomAD no frequency). This variant has not been reported in the literature in individuals affected with BLM-related conditions. Variants that disrupt the consensus splice site are a relatively common cause of aberrant splicing (PMID: 17576681, 9536098). Algorithms developed to predict the effect of sequence changes on RNA splicing suggest that this variant is not likely to affect RNA splicing. In summary, the available evidence is currently insufficient to determine the role of this variant in disease. Therefore, it has been classified as a Variant of Uncertain Significance.

Literature cited by the submitters: PubMed 17576681; PubMed 9536098.

NM_000057.4(BLM):c.3751+4G>A

Gene: BLM (BLM RecQ like helicase; plus strand). Cytogenetic location: 15q26.1.
Variant type: single nucleotide variant.
Coding change: c.3751+4G>A on transcript NM_000057.4 (MANE Select); 4 bases into the intron after coding-DNA position 3751, G replaced by A.
Molecular consequence: intron variant.
Genome position (GRCh38, 1-based): chr15:90,804,363, G>A. VCF-style: chr15-90804363-G-A. GRCh37 (hg19) VCF-style: chr15-91347593-G-A.
Other names: c.3751+4G>A (NM_001287246.2); c.2626+4G>A (NM_001287248.2); c.3359-4774G>A (NM_001287247.2).
Identifiers: ClinVar variation 3672982 (VCV003672982.2).